The following is an entry in ClinVar:

NM_002439.5(MSH3):c.2271G>T (p.Lys757Asn)

Gene: MSH3 (mutS homolog 3; plus strand). Cytogenetic location: 5q14.1.
Variant type: single nucleotide variant.
Coding change: c.2271G>T on transcript NM_002439.5 (MANE Select); coding-DNA position 2271, G replaced by T.
Protein change: p.Lys757Asn; replaces lysine 757 with asparagine.
Molecular consequence: missense variant.
Genome position (GRCh38, 1-based): chr5:80,775,711, G>T. VCF-style: chr5-80775711-G-T. GRCh37 (hg19) VCF-style: chr5-80071530-G-T.
Other names: c.2271G>T (NM_002439.3); short protein forms K757N.
Identifiers: ClinVar variation 1444969 (VCV001444969.7), dbSNP rs2112890132, ClinGen allele CA360280748.
Genomic context (GRCh38, chr5:80,775,711, plus strand): 5'-ATGGTTACTTATCTAAATCTCTGTTTATTTGTATTTGTTTTAGTTTATGATAGAAATAAA[G>T]AACTCTGCTGTATCTTGTATACCAACTGATTGGGTAAAGGTTGGAAGGTAGGTTTAAAAT-3'
Protein context (NP_002430.3, residues 747-767): VSGQEFMIEI[Lys757Asn]NSAVSCIPTD

ClinVar aggregate classification (germline): Uncertain significance. Review status: criteria provided, multiple submitters, no conflicts (2 of 4 stars). 2 submissions from 2 submitters: Uncertain significance (2). Last evaluated 2024-10-12.

Conditions:
Hereditary cancer-predisposing syndrome. Also called: Tumor predisposition; Hereditary Cancer Syndrome; Hereditary neoplastic syndrome; Neoplastic Syndromes, Hereditary. Identifiers: Orphanet 140162, MedGen C0027672, MeSH D009386, MONDO:0015356.

Submissions (2):

Ambry Genetics
Classification: Uncertain significance for Hereditary cancer-predisposing syndrome. Last evaluated: 2024-10-12. Review status: criteria provided, single submitter. Criteria: Ambry Variant Classification Scheme 2023. Collection method: clinical testing. Allele origin: germline.
Comment: The p.K757N variant (also known as c.2271G>T), located in coding exon 16 of the MSH3 gene, results from a G to T substitution at nucleotide position 2271. The lysine at codon 757 is replaced by asparagine, an amino acid with similar properties. This amino acid position is conserved. In addition, the in silico prediction for this alteration is inconclusive. Based on the available evidence, the clinical significance of this variant remains unclear.

Labcorp Genetics (formerly Invitae), Labcorp
Classification: Uncertain significance. Last evaluated: 2022-06-28. Review status: criteria provided, single submitter. Criteria: Invitae Variant Classification Sherloc (09022015). Collection method: clinical testing. Allele origin: germline.
Comment: In summary, the available evidence is currently insufficient to determine the role of this variant in disease. Therefore, it has been classified as a Variant of Uncertain Significance. Algorithms developed to predict the effect of sequence changes on RNA splicing suggest that this variant may disrupt the consensus splice site. Algorithms developed to predict the effect of missense changes on protein structure and function are either unavailable or do not agree on the potential impact of this missense change (SIFT: "Deleterious"; PolyPhen-2: "Probably Damaging"; Align-GVGD: "Class C0"). This variant has not been reported in the literature in individuals affected with MSH3-related conditions. This variant is not present in population databases (gnomAD no frequency). This sequence change replaces lysine, which is basic and polar, with asparagine, which is neutral and polar, at codon 757 of the MSH3 protein (p.Lys757Asn).